The following is an entry in ClinVar:

NM_000553.6(WRN):c.3173C>T (p.Ser1058Phe)

Gene: WRN (WRN RecQ like helicase; plus strand). Cytogenetic location: 8p12.
Variant type: single nucleotide variant.
Coding change: c.3173C>T on transcript NM_000553.6 (MANE Select); coding-DNA position 3173, C replaced by T.
Protein change: p.Ser1058Phe; replaces serine 1058 with phenylalanine.
Molecular consequence: missense variant.
Genome position (GRCh38, 1-based): chr8:31,141,715, C>T. VCF-style: chr8-31141715-C-T. GRCh37 (hg19) VCF-style: chr8-30999231-C-T.
Other names: short protein forms S1058F.
Identifiers: ClinVar variation 967333 (VCV000967333.6), dbSNP rs147294573, ClinGen allele CA4704957.

ClinVar aggregate classification (germline): Uncertain significance (1 of 4 stars; one submission).

Conditions:
Werner syndrome (WRN). Identifiers: Orphanet 902, MedGen C0043119, MONDO:0010196, OMIM 277700.

Allele frequency attached by ClinVar (database versions not stated): gnomAD exomes below 0.00001; ExAC 0.00001; ESP Exome Variant Server 0.00008.
gnomAD v4.1: 4 of 1,614,160 alleles (0.00025%); highest among the groups gnomAD compares: South Asian, 0.0022%; no homozygotes.

Submission:

Labcorp Genetics (formerly Invitae), Labcorp
Classification: Uncertain significance for Werner syndrome. Last evaluated: 2022-05-21. Review status: criteria provided, single submitter. Criteria: Invitae Variant Classification Sherloc (09022015). Collection method: clinical testing. Allele origin: germline.
Comment: This sequence change replaces serine, which is neutral and polar, with phenylalanine, which is neutral and non-polar, at codon 1058 of the WRN protein (p.Ser1058Phe). This variant is present in population databases (rs147294573, gnomAD 0.007%). This variant has not been reported in the literature in individuals affected with WRN-related conditions. ClinVar contains an entry for this variant (Variation ID: 967333). Algorithms developed to predict the effect of missense changes on protein structure and function are either unavailable or do not agree on the potential impact of this missense change (SIFT: "Not Available"; PolyPhen-2: "Benign"; Align-GVGD: "Not Available"). In summary, the available evidence is currently insufficient to determine the role of this variant in disease. Therefore, it has been classified as a Variant of Uncertain Significance.